The following is an entry in ClinVar:

NM_001079802.2(FKTN):c.382C>T (p.Arg128Trp)

Gene: FKTN (fukutin; plus strand). Cytogenetic location: 9q31.2.
Variant type: single nucleotide variant.
Coding change: c.382C>T on transcript NM_001079802.2 (MANE Select); coding-DNA position 382, C replaced by T.
Protein change: p.Arg128Trp; replaces arginine 128 with tryptophan.
Molecular consequence: missense variant. On other transcripts: 5 prime UTR variant (4), non-coding transcript variant (2).
Genome position (GRCh38, 1-based): chr9:105,604,227, C>T. VCF-style: chr9-105604227-C-T. GRCh37 (hg19) VCF-style: chr9-108366508-C-T.
Other names: c.382C>T, p.Arg128Trp (NM_001198963.2, NM_001351496.2, NM_001351498.2 and 1 more transcripts); c.313C>T, p.Arg105Trp (NM_001351497.2); c.-15C>T (NM_001351499.2, NM_001351500.2, NM_001351501.2 and 1 more transcripts); short protein forms R128W, R105W.
Identifiers: ClinVar variation 264196 (VCV000264196.21), dbSNP rs767026996, ClinGen allele CA5170399.

ClinVar aggregate classification (germline): Uncertain significance. Review status: criteria provided, multiple submitters, no conflicts (2 of 4 stars). 9 submissions from 9 submitters: Uncertain significance (8). 1 of the submissions does not count toward it. Last evaluated 2026-08-06.

Conditions:
Cardiovascular phenotype. Identifiers: MedGen CN230736.
Walker-Warburg congenital muscular dystrophy. Also called: Muscular dystrophy-dystroglycanopathy, type A; Walker-Warburg syndrome. Identifiers: Orphanet 899, MedGen C0265221, MONDO:0000171.

Allele frequency attached by ClinVar (database versions not stated): gnomAD 0.00001 and 0.00002; TOPMed 0.00001; gnomAD exomes 0.00002 and 0.00004; ExAC 0.00005.
gnomAD v4.1: 34 of 1,612,354 alleles (0.0021%); highest among the groups gnomAD compares: South Asian, 0.014%; 1 homozygote.

Submissions (9):

OLLIN Analises Genomicas, OLLIN
Classification: Uncertain significance. Last evaluated: 2026-08-06. Review status: criteria provided, single submitter. Criteria: ACMG Guidelines 2015 PMID 25741868. Collection method: clinical testing. Allele origin: germline.
Comment: This missense variant, located in exon 6 (of 11), has been reported in ClinVar (accession VCV000264196.19) and in gnomAD with an allele frequency of 0.0021%. However, to our knowledge, it has not been reported in the scientific literature. In silico analysis is inconclusive regarding the impact of this variant. According to the currently available evidence, this variant has been classified as uncertain significance (PM2_P).

Molecular Diagnostic Laboratory for Inherited Cardiovascular Disease, Montreal Heart Institute
Classification: Uncertain significance for Cardiovascular phenotype. Last evaluated: 2025-04-09. Review status: criteria provided, single submitter. Criteria: ACMG Guidelines, 2015. Collection method: clinical testing. Allele origin: germline. Affected: yes.
Comment: PM2, BP4

Revvity Omics, Revvity
Classification: Uncertain significance. Last evaluated: 2024-11-07. Review status: criteria provided, single submitter. Criteria: ACMG Guidelines, 2015. Collection method: clinical testing. Allele origin: germline.

Blueprint Genetics
Classification: Uncertain significance. Last evaluated: 2024-08-21. Review status: criteria provided, single submitter. Criteria: ACMG Guidelines, 2015. Collection method: clinical testing. Allele origin: germline.

Labcorp Genetics (formerly Invitae), Labcorp
Classification: Uncertain significance for Walker-Warburg congenital muscular dystrophy. Last evaluated: 2022-10-05. Review status: criteria provided, single submitter. Criteria: Invitae Variant Classification Sherloc (09022015). Collection method: clinical testing. Allele origin: germline.
Comment: This sequence change replaces arginine, which is basic and polar, with tryptophan, which is neutral and slightly polar, at codon 128 of the FKTN protein (p.Arg128Trp). This variant is present in population databases (rs767026996, gnomAD 0.007%). This variant has not been reported in the literature in individuals affected with FKTN-related conditions. ClinVar contains an entry for this variant (Variation ID: 264196). Advanced modeling of protein sequence and biophysical properties (such as structural, functional, and spatial information, amino acid conservation, physicochemical variation, residue mobility, and thermodynamic stability) performed at Invitae indicates that this missense variant is not expected to disrupt FKTN protein function. In summary, the available evidence is currently insufficient to determine the role of this variant in disease. Therefore, it has been classified as a Variant of Uncertain Significance.

Ambry Genetics
Classification: Uncertain significance for Cardiovascular phenotype. Last evaluated: 2022-03-09. Review status: criteria provided, single submitter. Criteria: Ambry Variant Classification Scheme 2023. Collection method: clinical testing. Allele origin: germline.
Comment: The p.R128W variant (also known as c.382C>T), located in coding exon 4 of the FKTN gene, results from a C to T substitution at nucleotide position 382. The arginine at codon 128 is replaced by tryptophan, an amino acid with dissimilar properties. This amino acid position is not well conserved in available vertebrate species. In addition, the in silico prediction for this alteration is inconclusive. Since supporting evidence is limited at this time, the clinical significance of this alteration remains unclear.

Kariminejad - Najmabadi Pathology & Genetics Center
Classification: Uncertain significance. Last evaluated: 2020-02-22. Review status: criteria provided, single submitter. Criteria: ACMG Guidelines, 2015. Collection method: clinical testing. Allele origin: germline. Inheritance: Autosomal recessive inheritance. Affected: yes.
Comment: PM2

Eurofins Ntd Llc (ga)
Classification: Uncertain significance. Last evaluated: 2015-09-14. Review status: criteria provided, single submitter. Criteria: EGL Classification Definitions 2015. Collection method: clinical testing. Allele origin: germline. Observed: 1 variant allele, 1 heterozygote.

Natera, Inc.
Classification: Uncertain significance for Walker-Warburg congenital muscular dystrophy. Last evaluated: 2020-03-31. Review status: no assertion criteria provided. Collection method: clinical testing. Allele origin: germline. Not counted in ClinVar's aggregate classification.